The following is an entry in ClinVar:

NM_032271.3(TRAF7):c.317C>T (p.Thr106Ile)

Gene: TRAF7 (TNF receptor associated factor 7; plus strand). Cytogenetic location: 16p13.3.
Variant type: single nucleotide variant.
Coding change: c.317C>T on transcript NM_032271.3 (MANE Select); coding-DNA position 317, C replaced by T.
Protein change: p.Thr106Ile; replaces threonine 106 with isoleucine.
Molecular consequence: missense variant.
Genome position (GRCh38, 1-based): chr16:2,170,699, C>T. VCF-style: chr16-2170699-C-T. GRCh37 (hg19) VCF-style: chr16-2220700-C-T.
Other names: short protein forms T106I.
Identifiers: ClinVar variation 4686831 (VCV004686831.1).

ClinVar aggregate classification (germline): Uncertain significance (1 of 4 stars; one submission).

gnomAD v4.1: 1 of 1,607,022 alleles (0.000062%); highest among the groups gnomAD compares: Non-Finnish European, 0.000085%; no homozygotes.

Submission:

GeneDx
Classification: Uncertain significance. Last evaluated: 2025-07-19. Review status: criteria provided, single submitter. Criteria: GeneDx Variant Classification Process June 2021. Collection method: clinical testing. Allele origin: germline. Affected: yes.
Comment: Not observed at significant frequency in large population cohorts (gnomAD); In silico analysis supports that this missense variant has a deleterious effect on protein structure/function; Has not been previously published as pathogenic or benign to our knowledge